The following is an entry in ClinVar:

ClinVar aggregate classification (germline): Uncertain significance (1 of 4 stars; one submission).

Allele frequency attached by ClinVar (database versions not stated): ExAC 0.00002; ESP Exome Variant Server 0.00009.

Submission:

Labcorp Genetics (formerly Invitae), Labcorp
Classification: Uncertain significance. Last evaluated: 2020-11-13. Review status: criteria provided, single submitter. Criteria: Invitae Variant Classification Sherloc (09022015). Collection method: clinical testing. Allele origin: germline.
Comment: This sequence change replaces threonine with serine at codon 396 of the NYX protein (p.Thr396Ser). The threonine residue is moderately conserved and there is a small physicochemical difference between threonine and serine. This variant is present in population databases (rs374504146, ExAC 0.004%). This variant has not been reported in the literature in individuals with NYX-related conditions. Algorithms developed to predict the effect of missense changes on protein structure and function (SIFT, PolyPhen-2, Align-GVGD) all suggest that this variant is likely to be tolerated, but these predictions have not been confirmed by published functional studies and their clinical significance is uncertain. In summary, the available evidence is currently insufficient to determine the role of this variant in disease. Therefore, it has been classified as a Variant of Uncertain Significance.

NM_001378477.3(NYX):c.1171A>T (p.Thr391Ser)

Gene: NYX (nyctalopin; plus strand). Cytogenetic location: Xp11.4.
Variant type: single nucleotide variant.
Coding change: c.1171A>T on transcript NM_001378477.3 (MANE Select); coding-DNA position 1171, A replaced by T.
Protein change: p.Thr391Ser; replaces threonine 391 with serine.
Molecular consequence: missense variant.
Genome position (GRCh38, 1-based): chrX:41,474,639, A>T. VCF-style: chrX-41474639-A-T. GRCh37 (hg19) VCF-style: chrX-41333892-A-T.
Other names: c.1171A>T, p.Thr391Ser (NM_022567.3); short protein forms T391S.
Identifiers: ClinVar variation 1499111 (VCV001499111.8), dbSNP rs374504146, ClinGen allele CA10389917.
Genomic context (GRCh38, chrX:41,474,639, plus strand): 5'-GTGACCTTCGGGCGCTCCTCCGATGGCCTCTGTGTGGACCCCGAGGAGCTGAACCTCACC[A>T]CGTCCAGTCCAGGCCCGTCCCCAGAACCAGCGGCCACCACCGTGAGCAGGTTCAGCAGCC-3'
Protein context (NP_001365406.2, residues 381-401): CVDPEELNLT[Thr391Ser]SSPGPSPEPA